The following is an entry in ClinVar:

NM_012295.4(CABIN1):c.6285C>T (p.Pro2095=)

Gene: CABIN1 (calcineurin binding protein 1; plus strand). Cytogenetic location: 22q11.23.
Variant type: single nucleotide variant.
Coding change: c.6285C>T on transcript NM_012295.4 (MANE Select); coding-DNA position 6285, C replaced by T.
Protein change: p.Pro2095=; no amino-acid change (proline 2095 retained).
Molecular consequence: synonymous variant.
Genome position (GRCh38, 1-based): chr22:24,177,583, C>T. VCF-style: chr22-24177583-C-T. GRCh37 (hg19) VCF-style: chr22-24573551-C-T.
Other names: c.6135C>T, p.Pro2045= (NM_001201429.2); c.6285C>T, p.Pro2095= (NM_001199281.1).
Identifiers: ClinVar variation 3038503 (VCV003038503.2), dbSNP rs752216444, ClinGen allele CA10150003.

ClinVar aggregate classification (germline): Likely benign (0 of 4 stars; one submission).

Conditions:
CABIN1-related disorder. Also called: CABIN1-related condition.

Allele frequency attached by ClinVar (database versions not stated): gnomAD 0.00002; gnomAD exomes 0.00002; TOPMed 0.00002; ExAC 0.00004.
gnomAD v4.1: 31 of 1,607,338 alleles (0.0019%); highest among the groups gnomAD compares: Middle Eastern, 0.033%; no homozygotes.

Submission:

PreventionGenetics, part of Exact Sciences
Classification: Likely benign for CABIN1-related condition. Last evaluated: 2019-05-23. Review status: no assertion criteria provided. Collection method: clinical testing. Allele origin: germline.
Comment: This variant is classified as likely benign based on ACMG/AMP sequence variant interpretation guidelines (Richards et al. 2015 PMID: 25741868, with internal and published modifications).